The following is an entry in ClinVar:

ClinVar aggregate classification (germline): Uncertain significance (1 of 4 stars; one submission).

gnomAD v4.1: 91 of 699,762 alleles (0.013%); highest among the groups gnomAD compares: Admixed American, 0.068%; no homozygotes.

Submission:

Labcorp Genetics (formerly Invitae), Labcorp
Classification: Uncertain significance. Last evaluated: 2024-11-05. Review status: criteria provided, single submitter. Criteria: Invitae Variant Classification Sherloc (09022015). Collection method: clinical testing. Allele origin: germline.
Comment: This variant occurs in the RNU4ATAC gene, which encodes an RNA molecule that does not result in a protein product. This variant is present in population databases (rs555609754, gnomAD 0.08%). This variant has not been reported in the literature in individuals affected with RNU4ATAC-related conditions. ClinVar contains an entry for this variant (Variation ID: 1422517). Experimental studies and prediction algorithms are not available or were not evaluated, and the functional significance of this variant is currently unknown. In summary, the available evidence is currently insufficient to determine the role of this variant in disease. Therefore, it has been classified as a Variant of Uncertain Significance.

NC_000002.12:g.121530921C>G

Genes: CLASP1 (cytoplasmic linker associated protein 1; minus strand), CLASP1-AS1 (CLASP1 antisense RNA 1; plus strand), RNU4ATAC (RNA, U4atac small nuclear; plus strand). Cytogenetic location: 2q14.2.
Variant type: single nucleotide variant.
Molecular consequence: intron variant (on NM_001395891.1).
Genome position: GRCh38 VCF-style: chr2-121530921-C-G. GRCh37 (hg19) VCF-style: chr2-122288497-C-G.
Other names: c.196-596G>C (NM_001142274.2, NM_015282.3, NM_001378003.1 and 5 more transcripts).
Identifiers: ClinVar variation 1422517 (VCV001422517.4), dbSNP rs555609754, ClinGen allele CA1854697.
Genomic context (GRCh38, chr2:121,530,921, plus strand): 5'-CCCAGGGACTTTCTATTATAACCATCCTTTTCTTGGGGTTGCGCTACTGTCCAATGAGCG[C>G]ATAGTGAGGGCAGTACTGCTAACGCCTGAACAACACACCCGCATCAACTAGAGCTTTTGC-3'